The following is an entry in ClinVar:

NM_174936.4(PCSK9):c.465G>A (p.Pro155=)

Gene: PCSK9 (proprotein convertase subtilisin/kexin type 9; plus strand). Cytogenetic location: 1p32.3.
Variant type: single nucleotide variant.
Coding change: c.465G>A on transcript NM_174936.4 (MANE Select); coding-DNA position 465, G replaced by A.
Protein change: p.Pro155=; no amino-acid change (proline 155 retained).
Molecular consequence: synonymous variant.
Genome position (GRCh38, 1-based): chr1:55,046,588, G>A. VCF-style: chr1-55046588-G-A. GRCh37 (hg19) VCF-style: chr1-55512261-G-A.
Identifiers: ClinVar variation 926969 (VCV000926969.8), dbSNP rs762792417, ClinGen allele CA042377.

ClinVar aggregate classification (germline): Likely benign. Review status: criteria provided, multiple submitters, no conflicts (2 of 4 stars). 4 submissions from 4 submitters: Likely benign (4). Last evaluated 2025-07-13.

Conditions:
Familial hypercholesterolemia. Also called: Familial hypercholesterolaemia; Familial hypercholesterolemias. Identifiers: MedGen C0020445, MONDO:0005439.
Hypercholesterolemia, autosomal dominant, 3 (FHCL3). Also called: PCSK9-Related Familial Hypercholesterolemia, Autosomal Dominant; Familial hypercholesterolemia 3; Familial Hypercholesterolemia, Autosomal Dominant, 3. Identifiers: MedGen C1863551, MONDO:0011369, OMIM 603776.
Cardiovascular phenotype. Identifiers: MedGen CN230736.

Allele frequency attached by ClinVar (database versions not stated): TOPMed 0.00001; ExAC 0.00003.
gnomAD v4.1: 12 of 1,614,002 alleles (0.00074%); highest among the groups gnomAD compares: Admixed American, 0.01%; no homozygotes.

Submissions (4):

Labcorp Genetics (formerly Invitae), Labcorp
Classification: Likely benign for Hypercholesterolemia, autosomal dominant, 3. Last evaluated: 2025-07-13. Review status: criteria provided, single submitter. Criteria: Invitae Variant Classification Sherloc (09022015). Collection method: clinical testing. Allele origin: germline.

All of Us Research Program, National Institutes of Health
Classification: Likely benign for Hypercholesterolemia, autosomal dominant, 3. Last evaluated: 2023-12-13. Review status: criteria provided, single submitter. Criteria: ACMG Guidelines, 2015. Collection method: clinical testing. Allele origin: germline. Inheritance: Autosomal dominant inheritance. Observed: 4 variant alleles, 4 heterozygotes.
Comment: This study involves interpretation of variants in research participants for the purpose of population health screening. Participant phenotype was not available at the time of variant classification. Additional details can be found in publication PMID: 35346344, PMCID: PMC8962531

Color Diagnostics, LLC DBA Color Health
Classification: Likely benign for Familial hypercholesterolemia. Last evaluated: 2019-10-04. Review status: criteria provided, single submitter. Criteria: ACMG Guidelines, 2015. Collection method: clinical testing. Allele origin: germline.

Ambry Genetics
Classification: Likely benign for Cardiovascular phenotype. Last evaluated: 2019-08-19. Review status: criteria provided, single submitter. Criteria: Ambry Variant Classification Scheme 2023. Collection method: clinical testing. Allele origin: germline.